The following is an entry in ClinVar:

ClinVar aggregate classification (germline): Likely pathogenic (1 of 4 stars; one submission).

Conditions:
Mitochondrial disease. Also called: Mitochondrial disorders; Mitochondrial disorder. Identifiers: Orphanet 68380, MedGen C0751651, MeSH D028361, MONDO:0044970.

Submission:

Genomenon, Inc
Classification: Likely pathogenic for Mitochondrial disease. Last evaluated: 2025-11-24. Review status: criteria provided, single submitter. Criteria: Genomenon Sequence Variant Interpretation Standards - Updated. Collection method: curation. Allele origin: germline. Affected: no.
Comment: TK2 p.Glu133Asp (c.399G>C) is a missense variant that changes the amino acid at residue 133 from Glutamic acid to Aspartic acid. This variant has not been reported in patients affected with a TK2-related phenotype in the published literature. Experimental studies have shown that this variant results in a significant reduction in catalytic activity as compared to wild type (34758700). TK2 p.Glu133Asp is located in a mutational hotspot and/or important functional domain. This variant is not present at a significant frequency in gnomAD. In conclusion, we classify TK2 p.Glu133Asp (c.399G>C) as a likely pathogenic variant.

Literature cited by the submitters: PubMed 34758700.

NM_004614.5(TK2):c.399G>C (p.Glu133Asp)

Gene: TK2 (thymidine kinase 2; minus strand). Cytogenetic location: 16q21.
Variant type: single nucleotide variant.
Coding change: c.399G>C on transcript NM_004614.5 (MANE Select); coding-DNA position 399, G replaced by C.
Protein change: p.Glu133Asp; replaces glutamic acid 133 with aspartic acid.
Molecular consequence: missense variant. On other transcripts: non-coding transcript variant (1).
Genome position (GRCh38, 1-based): chr16:66,529,044, C>G on the plus strand (G>C on the coding strand, the complement: TK2 is on the minus strand). VCF-style: chr16-66529044-C-G. GRCh37 (hg19) VCF-style: chr16-66562947-C-G.
Other names: c.306G>C, p.Glu102Asp (NM_001172643.1, NM_001271935.1); c.324G>C, p.Glu108Asp (NM_001172644.2); c.345G>C, p.Glu115Asp (NM_001172645.2); c.252G>C, p.Glu84Asp (NM_001271934.2); c.108G>C, p.Glu36Asp (NM_001272050.2); short protein forms E102D, E108D, E115D, E133D, E36D, E84D.
Identifiers: ClinVar variation 3778841 (VCV003778841.2).